The following is an entry in ClinVar:

NM_001267550.2(TTN):c.53707C>T (p.Arg17903Cys)

Genes: TTN-AS1 (TTN antisense RNA 1; plus strand), TTN (titin; minus strand). Cytogenetic location: 2q31.2.
Variant type: single nucleotide variant.
Coding change: c.53707C>T on transcript NM_001267550.2 (MANE Select); coding-DNA position 53707, C replaced by T.
Protein change: p.Arg17903Cys; replaces arginine 17903 with cysteine.
Molecular consequence: missense variant.
Genome position (GRCh38, 1-based): chr2:178,605,588, G>A on the plus strand (C>T on the coding strand, the complement: TTN is on the minus strand). VCF-style: chr2-178605588-G-A. GRCh37 (hg19) VCF-style: chr2-179470315-G-A.
Other names: c.48784C>T, p.Arg16262Cys (NM_001256850.1); c.26512C>T, p.Arg8838Cys (NM_003319.4); c.46003C>T, p.Arg15335Cys (NM_133378.4); c.26887C>T, p.Arg8963Cys (NM_133432.3); c.27088C>T, p.Arg9030Cys (NM_133437.4); short protein forms R15335C, R16262C, R17903C, R8838C, R8963C, R9030C.
Identifiers: ClinVar variation 1187598 (VCV001187598.5), dbSNP rs1016726284, ClinGen allele CA60980821.

ClinVar aggregate classification (germline): Uncertain significance. Review status: criteria provided, multiple submitters, no conflicts (2 of 4 stars). 3 submissions from 3 submitters: Uncertain significance (3). Last evaluated 2021-09-01.

Conditions:
Cardiovascular phenotype. Identifiers: MedGen CN230736.
Myopathy, myofibrillar, 9, with early respiratory failure (MFM9). Also called: EDSTROM MYOPATHY; MYOPATHY, PROXIMAL, WITH EARLY RESPIRATORY MUSCLE INVOLVEMENT; Hereditary myopathy with early respiratory failure; Myopathy, distal, with early respiratory failure, autosomal dominant. Identifiers: Orphanet 178464, Orphanet 34521, MedGen C1863599, MONDO:0011362, OMIM 603689.
Hypertrophic cardiomyopathy 9. Also called: Familial hypertrophic cardiomyopathy 9. Identifiers: MedGen C1861065, MONDO:0013412, OMIM 613765.
Dilated cardiomyopathy 1G (CMD1G). Identifiers: Orphanet 154, MedGen C1858763, MONDO:0011400, OMIM 604145.
Tibial muscular dystrophy (TMD). Also called: Udd Distal Myopathy – Tibial Muscular Dystrophy; UDD MYOPATHY; Tibial muscular dystrophy, tardive. Identifiers: Orphanet 609, MedGen C1838244, MONDO:0010870, OMIM 600334.
Early-onset myopathy with fatal cardiomyopathy (CMYO5). Also called: Salih Myopathy; CONGENITAL MYOPATHY 5 WITH CARDIOMYOPATHY. Identifiers: Orphanet 289377, MedGen C2673677, MONDO:0012714, OMIM 611705. Disease mechanism: loss of function.
Autosomal recessive limb-girdle muscular dystrophy type 2J (LGMDR10). Also called: Limb-girdle muscular dystrophy, type 2J; MUSCULAR DYSTROPHY, LIMB-GIRDLE, AUTOSOMAL RECESSIVE 10. Identifiers: Orphanet 140922, MedGen C1837342, MONDO:0012127, OMIM 608807.

Allele frequency attached by ClinVar (database versions not stated): gnomAD exomes 0.00001; TOPMed 0.00002.
gnomAD v4.1: 16 of 1,612,002 alleles (0.00099%); highest among the groups gnomAD compares: East Asian, 0.0045%; no homozygotes.

Submissions (3):

Fulgent Genetics
Classification: Uncertain significance for Tibial muscular dystrophy; Myopathy, myofibrillar, 9, with early respiratory failure; Dilated cardiomyopathy 1G; Autosomal recessive limb-girdle muscular dystrophy type 2J; Early-onset myopathy with fatal cardiomyopathy; Hypertrophic cardiomyopathy 9. Last evaluated: 2021-09-01. Review status: criteria provided, single submitter. Criteria: ACMG Guidelines, 2015. Collection method: clinical testing. Allele origin: unknown.

Ambry Genetics
Classification: Uncertain significance for Cardiovascular phenotype. Last evaluated: 2020-06-10. Review status: criteria provided, single submitter. Criteria: Ambry Variant Classification Scheme 2023. Collection method: clinical testing. Allele origin: germline.
Comment: The p.R8838C variant (also known as c.26512C>T), located in coding exon 106 of the TTN gene, results from a C to T substitution at nucleotide position 26512. The arginine at codon 8838 is replaced by cysteine, an amino acid with highly dissimilar properties. This amino acid position is highly conserved in available vertebrate species. In addition, this alteration is predicted to be tolerated by in silico analysis. Since supporting evidence is limited at this time, the clinical significance of this alteration remains unclear.

GeneDx
Classification: Uncertain significance. Last evaluated: 2020-06-02. Review status: criteria provided, single submitter. Criteria: GeneDx Variant Classification Process June 2021. Collection method: clinical testing. Allele origin: germline. Affected: yes.
Comment: Not observed at a significant frequency in large population cohorts (Lek et al., 2016); Missense variant in a gene in which most reported pathogenic variants are truncating/loss-of-function; Has not been previously published as pathogenic or benign to our knowledge